The following is an entry in ClinVar:

ClinVar aggregate classification (germline): Uncertain significance. Review status: criteria provided, multiple submitters, no conflicts (2 of 4 stars). 6 submissions from 6 submitters: Uncertain significance (6). Last evaluated 2024-06-22.

Conditions:
Cardiovascular phenotype. Identifiers: MedGen CN230736.
Familial hypercholesterolemia. Also called: Familial hypercholesterolemias; Familial hypercholesterolaemia. Identifiers: MedGen C0020445, MONDO:0005439.
Hypercholesterolemia, autosomal dominant, 3 (FHCL3). Also called: Familial hypercholesterolemia 3; Familial Hypercholesterolemia, Autosomal Dominant, 3; PCSK9-Related Familial Hypercholesterolemia, Autosomal Dominant. Identifiers: MedGen C1863551, MONDO:0011369, OMIM 603776.

gnomAD v4.1: 2 of 1,540,474 alleles (0.00013%); highest among the groups gnomAD compares: Admixed American, 0.0018%; no homozygotes.

Submissions (6):

GeneDx
Classification: Uncertain significance. Last evaluated: 2024-06-22. Review status: criteria provided, single submitter. Criteria: GeneDx Variant Classification Process June 2021. Collection method: clinical testing. Allele origin: germline. Affected: yes.
Comment: Not observed at significant frequency in large population cohorts (gnomAD); In silico analysis supports that this missense variant does not alter protein structure/function; Has not been previously published as pathogenic or benign to our knowledge

Color Diagnostics, LLC DBA Color Health
Classification: Uncertain significance for Familial hypercholesterolemia. Last evaluated: 2023-12-05. Review status: criteria provided, single submitter. Criteria: ACMG Guidelines, 2015. Collection method: clinical testing. Allele origin: germline.
Comment: This missense variant replaces arginine with glutamine at codon 319 of the PCSK9 protein. Computational prediction tools and conservation analyses suggest that this variant may not impact the protein function. Computational splicing tools suggest that this variant may not impact RNA splicing. To our knowledge, functional assays have not been performed for this variant nor has this variant been reported in individuals affected with familial hypercholesterolemia in the literature. This variant has not been identified in the general population by the Genome Aggregation Database (gnomAD). Available evidence is insufficient to determine the role of this variant in disease conclusively. Therefore, this variant is classified as a Variant of Uncertain Significance.

Ambry Genetics
Classification: Uncertain significance for Cardiovascular phenotype. Last evaluated: 2023-12-03. Review status: criteria provided, single submitter. Criteria: Ambry Variant Classification Scheme 2023. Collection method: clinical testing. Allele origin: germline.
Comment: The p.R319Q variant (also known as c.956G>A), located in coding exon 6 of the PCSK9 gene, results from a G to A substitution at nucleotide position 956. The arginine at codon 319 is replaced by glutamine, an amino acid with highly similar properties. This amino acid position is conserved. In addition, this alteration is predicted to be tolerated by in silico analysis. Since supporting evidence is limited at this time, the clinical significance of this alteration remains unclear.

All of Us Research Program, National Institutes of Health
Classification: Uncertain significance for Hypercholesterolemia, autosomal dominant, 3. Last evaluated: 2023-03-28. Review status: criteria provided, single submitter. Criteria: ACMG Guidelines, 2015. Collection method: clinical testing. Allele origin: germline. Inheritance: Autosomal dominant inheritance. Observed: 1 variant allele, 1 heterozygote.
Comment: This missense variant replaces arginine with glutamine at codon 319 of the PCSK9 protein. Computational prediction tools and conservation analyses suggest that this variant may not impact the protein function. Computational splicing tools suggest that this variant may not impact RNA splicing. To our knowledge, functional assays have not been performed for this variant nor has this variant been reported in individuals affected with familial hypercholesterolemia in the literature. This variant has not been identified in the general population by the Genome Aggregation Database (gnomAD). Available evidence is insufficient to determine the role of this variant in disease conclusively. Therefore, this variant is classified as a Variant of Uncertain Significance.

This study involves interpretation of variants in research participants for the purpose of population health screening. Participant phenotype was not available at the time of variant classification. Additional details can be found in publication PMID: 35346344, PMCID: PMC8962531

New York Genome Center
Classification: Uncertain significance for Hypercholesterolemia, autosomal dominant, 3. Last evaluated: 2022-09-12. Review status: criteria provided, single submitter. Criteria: NYGC Assertion Criteria 2020. Collection method: clinical testing. Allele origin: germline. Observed: 1 variant allele.
Comment: The c.956G>A variant has not previously been reported in the literature and is absent from population databases (gnomAD v2.1.1 and v3.1.2, TOPMed Freeze 8), suggesting it is not a common benign variant in the populations represented in those databases. This variant has been deposited in ClinVar [ClinVar ID: 920121] as a Variant of Uncertain Significance (2 entries). The c.956G>A variant is located in exon 6 of this 12-exon gene and is predicted to replace a moderately conserved arginine amino acid with glutamine at position 319 of the encoded protein. In silico predictions are not in favor of the damaging effect for p.(Arg319Gln) variant (REVEL= 0.255); however, there are no functional studies to support or refute these predictions. A different missense variant p.(Arg319Trp) effecting the same codon 319 has been reported in ClinVar [ClinVar ID: 297697] as a Variant of Uncertain Significance for hypercholesterolemia. Based on available evidence, this c.956G>A p.(Arg319Gln) variant identified in PCSK9 is classified as a Variant of Uncertain Significance.

Labcorp Genetics (formerly Invitae), Labcorp
Classification: Uncertain significance for Hypercholesterolemia, autosomal dominant, 3. Last evaluated: 2022-09-07. Review status: criteria provided, single submitter. Criteria: Invitae Variant Classification Sherloc (09022015). Collection method: clinical testing. Allele origin: germline.
Comment: In summary, the available evidence is currently insufficient to determine the role of this variant in disease. Therefore, it has been classified as a Variant of Uncertain Significance. Algorithms developed to predict the effect of sequence changes on RNA splicing suggest that this variant may create or strengthen a splice site. Advanced modeling of protein sequence and biophysical properties (such as structural, functional, and spatial information, amino acid conservation, physicochemical variation, residue mobility, and thermodynamic stability) performed at Invitae indicates that this missense variant is not expected to disrupt PCSK9 protein function. ClinVar contains an entry for this variant (Variation ID: 920121). This variant has not been reported in the literature in individuals affected with PCSK9-related conditions. This variant is not present in population databases (gnomAD no frequency). This sequence change replaces arginine, which is basic and polar, with glutamine, which is neutral and polar, at codon 319 of the PCSK9 protein (p.Arg319Gln).

NM_174936.4(PCSK9):c.956G>A (p.Arg319Gln)

Gene: PCSK9 (proprotein convertase subtilisin/kexin type 9; plus strand). Cytogenetic location: 1p32.3.
Variant type: single nucleotide variant.
Coding change: c.956G>A on transcript NM_174936.4 (MANE Select); coding-DNA position 956, G replaced by A.
Protein change: p.Arg319Gln; replaces arginine 319 with glutamine.
Molecular consequence: missense variant.
Genome position (GRCh38, 1-based): chr1:55,056,149, G>A. VCF-style: chr1-55056149-G-A. GRCh37 (hg19) VCF-style: chr1-55521822-G-A.
Other names: c.1079G>A, p.Arg360Gln (NM_001407240.1); c.956G>A, p.Arg319Gln (NM_001407241.1, NM_001407244.1, NM_001407247.1); c.959G>A, p.Arg320Gln (NM_001407242.1); c.899G>A, p.Arg300Gln (NM_001407243.1); c.764G>A, p.Arg255Gln (NM_001407245.1); c.581G>A, p.Arg194Gln (NM_001407246.1); short protein forms R319Q, R255Q, R320Q, R360Q, R194Q, R300Q.
Identifiers: ClinVar variation 920121 (VCV000920121.20), dbSNP rs1644712458, ClinGen allele CA340475103.